The following is an entry in ClinVar:

ClinVar aggregate classification (germline): Likely benign. Review status: criteria provided, multiple submitters, no conflicts (2 of 4 stars). 5 submissions from 5 submitters: Likely benign (5). Last evaluated 2026-01-28.

Conditions:
Arrhythmogenic right ventricular cardiomyopathy (ARVD). Also called: Cardiomyopathy, ARVC; Arrhythmogenic right ventricular dysplasia; Arrhythmogenic cardiomyopathy; Arrhythmogenic Right Ventricular Cardiomyopathy (ARVC). Identifiers: Orphanet 247, MedGen C0349788, MeSH D019571, MONDO:0016587. Disease mechanism: loss of function. Inheritance: Various modes of inheritance.
Arrhythmogenic right ventricular dysplasia 9 (ARVD9). Also called: Arrhythmogenic Right Ventricular Dysplasia/Cardiomyopathy 9; ARRHYTHMOGENIC RIGHT VENTRICULAR DYSPLASIA, FAMILIAL, 9. Identifiers: MedGen C1836906, MONDO:0012180, OMIM 609040.
Cardiomyopathy (CMYO). Also called: Cardiomyopathies. Identifiers: Orphanet 167848, MedGen C0878544, MONDO:0004994, HP:0001638. Inheritance: Various modes of inheritance.
Cardiovascular phenotype. Identifiers: MedGen CN230736.

Allele frequency attached by ClinVar (database versions not stated): gnomAD 0.00001; ExAC 0.00002; gnomAD exomes 0.00002; TOPMed 0.00002; ESP Exome Variant Server 0.00008.
gnomAD v4.1: 27 of 1,612,788 alleles (0.0017%); highest among the groups gnomAD compares: East Asian, 0.0089%; no homozygotes.

Submissions (5):

Labcorp Genetics (formerly Invitae), Labcorp
Classification: Likely benign for Arrhythmogenic right ventricular dysplasia 9. Last evaluated: 2026-01-28. Review status: criteria provided, single submitter. Criteria: Invitae Variant Classification Sherloc (09022015). Collection method: clinical testing. Allele origin: germline.

Blueprint Genetics
Classification: Likely benign. Last evaluated: 2024-03-11. Review status: criteria provided, single submitter. Criteria: ACMG Guidelines, 2015. Collection method: clinical testing. Allele origin: germline.

All of Us Research Program, National Institutes of Health
Classification: Likely benign for Arrhythmogenic right ventricular cardiomyopathy. Last evaluated: 2023-07-10. Review status: criteria provided, single submitter. Criteria: ACMG Guidelines, 2015. Collection method: clinical testing. Allele origin: germline. Inheritance: Autosomal dominant inheritance. Observed: 2 variant alleles, 2 heterozygotes.
Comment: This study involves interpretation of variants in research participants for the purpose of population health screening. Participant phenotype was not available at the time of variant classification. Additional details can be found in publication PMID: 35346344, PMCID: PMC8962531

Color Diagnostics, LLC DBA Color Health
Classification: Likely benign for Cardiomyopathy. Last evaluated: 2019-11-06. Review status: criteria provided, single submitter. Criteria: ACMG Guidelines, 2015. Collection method: clinical testing. Allele origin: germline.

Ambry Genetics
Classification: Likely benign for Cardiovascular phenotype. Last evaluated: 2019-05-19. Review status: criteria provided, single submitter. Criteria: Ambry Variant Classification Scheme 2023. Collection method: clinical testing. Allele origin: germline.

NM_001005242.3(PKP2):c.1446G>A (p.Thr482=)

Gene: PKP2 (plakophilin 2; minus strand). Cytogenetic location: 12p11.21.
Variant type: single nucleotide variant.
Coding change: c.1446G>A on transcript NM_001005242.3 (MANE Select); coding-DNA position 1446, G replaced by A.
Protein change: p.Thr482=; no amino-acid change (threonine 482 retained).
Molecular consequence: synonymous variant.
Genome position (GRCh38, 1-based): chr12:32,841,138, C>T on the plus strand (G>A on the coding strand, the complement: PKP2 is on the minus strand). VCF-style: chr12-32841138-C-T. GRCh37 (hg19) VCF-style: chr12-32994072-C-T.
Other names: c.1578G>A, p.Thr526= (NM_004572.4).
Identifiers: ClinVar variation 923519 (VCV000923519.14), dbSNP rs370753286, ClinGen allele CA029452.